The following is an entry in ClinVar:

ClinVar aggregate classification (germline): Uncertain significance (1 of 4 stars; one submission).

Conditions:
Spastic paraplegia. Identifiers: MedGen C0037772, HP:0001258.

Allele frequency attached by ClinVar (database versions not stated): gnomAD exomes below 0.00001; ExAC 0.00001.
gnomAD v4.1: 1 of 1,613,726 alleles (0.000062%); highest among the groups gnomAD compares: African/African-American, 0.0013%; no homozygotes.

Submission:

Labcorp Genetics (formerly Invitae), Labcorp
Classification: Uncertain significance for Spastic paraplegia. Last evaluated: 2022-04-09. Review status: criteria provided, single submitter. Criteria: Invitae Variant Classification Sherloc (09022015). Collection method: clinical testing. Allele origin: germline.
Comment: This variant is present in population databases (rs764318154, gnomAD 0.007%). This sequence change affects codon 146 of the CYP7B1 mRNA. It is a 'silent' change, meaning that it does not change the encoded amino acid sequence of the CYP7B1 protein. This variant has not been reported in the literature in individuals affected with CYP7B1-related conditions. In summary, the available evidence is currently insufficient to determine the role of this variant in disease. Therefore, it has been classified as a Variant of Uncertain Significance. Algorithms developed to predict the effect of sequence changes on RNA splicing suggest that this variant may create or strengthen a splice site.

NM_004820.5(CYP7B1):c.438A>G (p.Gln146=)

Gene: CYP7B1 (cytochrome P450 family 7 subfamily B member 1; minus strand). Cytogenetic location: 8q12.3.
Variant type: single nucleotide variant.
Coding change: c.438A>G on transcript NM_004820.5 (MANE Select); coding-DNA position 438, A replaced by G.
Protein change: p.Gln146=; no amino-acid change (glutamine 146 retained).
Molecular consequence: synonymous variant.
Genome position (GRCh38, 1-based): chr8:64,616,103, T>C on the plus strand (A>G on the coding strand, the complement: CYP7B1 is on the minus strand). VCF-style: chr8-64616103-T-C. GRCh37 (hg19) VCF-style: chr8-65528660-T-C.
Other names: c.438A>G, p.Gln146= (NM_001324112.2).
Identifiers: ClinVar variation 2123787 (VCV002123787.2), dbSNP rs764318154, ClinGen allele CA4764211.
Genomic context (GRCh38, chr8:64,616,103, plus strand): 5'-TTCAAAAACTTGTTTTAGATTCTGCATCATGCTTTCCAAGAGTATGTCCAAAGATTTGCC[T>C]TGCAAAAATTGATAGCAGAGGTGAAGCTCATCATTCATGTCATGATTTTTTTGCAACTGA-3'
Protein context (NP_004811.1, residues 136-156): DELHLCYQFL[Gln146=]GKSLDILLES